The following is an entry in ClinVar:

ClinVar aggregate classification (germline): Uncertain significance (1 of 4 stars; one submission).

gnomAD v4.1: 147 of 1,541,190 alleles (0.0095%); highest among the groups gnomAD compares: South Asian, 0.011%; no homozygotes.

Submission:

Labcorp Genetics (formerly Invitae), Labcorp
Classification: Uncertain significance. Last evaluated: 2026-01-06. Review status: criteria provided, single submitter. Criteria: Invitae Variant Classification Sherloc (09022015). Collection method: clinical testing. Allele origin: germline.
Comment: This sequence change falls in intron 3 of the EPHB4 gene. It does not directly change the encoded amino acid sequence of the EPHB4 protein. This variant is present in population databases (rs755423722, gnomAD 0.01%). This variant has not been reported in the literature in individuals affected with EPHB4-related conditions. ClinVar contains an entry for this variant (Variation ID: 2973604). Algorithms developed to predict the effect of sequence changes on RNA splicing suggest that this variant may disrupt the consensus splice site. In summary, the available evidence is currently insufficient to determine the role of this variant in disease. Therefore, it has been classified as a Variant of Uncertain Significance.

NM_004444.5(EPHB4):c.412-11C>G

Gene: EPHB4 (EPH receptor B4; minus strand). Cytogenetic location: 7q22.1.
Variant type: single nucleotide variant.
Coding change: c.412-11C>G on transcript NM_004444.5 (MANE Select); 11 bases into the intron before coding-DNA position 412, C replaced by G.
Molecular consequence: intron variant.
Genome position (GRCh38, 1-based): chr7:100,822,678, G>C on the plus strand (C>G on the coding strand, the complement: EPHB4 is on the minus strand). VCF-style: chr7-100822678-G-C. GRCh37 (hg19) VCF-style: chr7-100420300-G-C.
Identifiers: ClinVar variation 2973604 (VCV002973604.3), dbSNP rs755423722, ClinGen allele CA4393293.
Genomic context (GRCh38, chr7:100,822,678, plus strand): 5'-TCGGCCCCAGGGCGCTTCCGGGTGAGATGCTCCGCGGCCACCGTGTCCACCTGCCGGCGG[G>C]GGGGAGGCACACCGCTGCTGTCCCCACTCCCTGAGGACCCAGCGGACTGTTGTGTTCTTC-3'